The following is an entry in ClinVar:

ClinVar aggregate classification (germline): Uncertain significance (1 of 4 stars; one submission).

Conditions:
Familial hypercholesterolemia. Also called: Familial hypercholesterolemias; Familial hypercholesterolaemia. Identifiers: MedGen C0020445, MONDO:0005439.

Submission:

Cambridge Genomics Laboratory, East Genomic Laboratory Hub, NHS Genomic Medicine Service
Classification: Uncertain significance for Familial hypercholesterolaemia. Last evaluated: 2026-08-03. Review status: criteria provided, single submitter. Criteria: ACGS Best Practice Guidelines for Variant Classification in Rare Disease 2020. Collection method: clinical testing. Allele origin: germline. Affected: yes.
Comment: PM2_Supporting,PP4

NM_000384.3(APOB):c.4919C>G (p.Ala1640Gly)

Gene: APOB (apolipoprotein B; minus strand). Cytogenetic location: 2p24.1.
Variant type: single nucleotide variant.
Coding change: c.4919C>G on transcript NM_000384.3 (MANE Select); coding-DNA position 4919, C replaced by G.
Protein change: p.Ala1640Gly; replaces alanine 1640 with glycine.
Molecular consequence: missense variant.
Genome position (GRCh38, 1-based): chr2:21,011,949, G>C on the plus strand (C>G on the coding strand, the complement: APOB is on the minus strand). VCF-style: chr2-21011949-G-C. GRCh37 (hg19) VCF-style: chr2-21234821-G-C.
Other names: short protein forms A1640G.
Identifiers: ClinVar variation 4884305 (VCV004884305.1).
Genomic context (GRCh38, chr2:21,011,949, plus strand): 5'-AAGTTGGTCGTTGCACTGGTAGATATTCCATCTTGGCCAATCCTTAGTGTCGCCTTGTGA[G>C]CACCACTATTAATTTTGTCAGTGCCTAAGATGTCAGCATTTAACTCAAGACCATGGGAAT-3'
Protein context (NP_000375.3, residues 1630-1650): ILGTDKINSG[Ala1640Gly]HKATLRIGQD